The following is an entry in ClinVar:

ClinVar aggregate classification (germline): Uncertain significance. Review status: criteria provided, multiple submitters, no conflicts (2 of 4 stars). 4 submissions from 4 submitters: Uncertain significance (4). Last evaluated 2026-03-04.

Conditions:
Polycystic kidney disease 4 (PKD4). Also called: POLYCYSTIC KIDNEY AND HEPATIC DISEASE 1; POLYCYSTIC KIDNEY DISEASE, INFANTILE, TYPE I; POLYCYSTIC KIDNEY DISEASE 4 WITH OR WITHOUT POLYCYSTIC LIVER DISEASE; PKD3; Autosomal Recessive Polycystic Kidney Disease – PKHD1. Identifiers: MedGen C4540575, MONDO:0033004, OMIM 263200.

Allele frequency attached by ClinVar (database versions not stated): TOPMed below 0.00001; gnomAD 0.00003; ExAC 0.00005; 1000 Genomes Project 0.00020; 1000 Genomes Project 30x 0.00031.
gnomAD v4.1: 44 of 1,613,476 alleles (0.0027%); highest among the groups gnomAD compares: South Asian, 0.034%; no homozygotes.

Submissions (4):

GeneDx
Classification: Uncertain significance. Last evaluated: 2026-03-04. Review status: criteria provided, single submitter. Criteria: GeneDx Variant Classification Process June 2021. Collection method: clinical testing. Allele origin: germline.
Comment: In silico analysis suggests that this missense variant does not alter protein structure/function; Has not been previously published as pathogenic or benign to our knowledge

Blueprint Genetics
Classification: Uncertain significance. Last evaluated: 2024-09-20. Review status: criteria provided, single submitter. Criteria: ACMG Guidelines, 2015. Collection method: clinical testing. Allele origin: germline.

Department of Pathology and Laboratory Medicine, Sinai Health System
Classification: Uncertain significance for Polycystic kidney disease 4. Last evaluated: 2020-08-11. Review status: criteria provided, single submitter. Criteria: ACMG Guidelines, 2015. Collection method: research. Allele origin: germline.

Neuberg Centre For Genomic Medicine, NCGM
Classification: Uncertain significance for Polycystic kidney disease 4. Review status: criteria provided, single submitter. Criteria: ACMG Guidelines, 2015. Collection method: clinical testing. Allele origin: germline. Inheritance: Autosomal recessive inheritance. Affected: yes.
Comment: The missense variant in c.11533C>A (p.Pro3845Thr) in PKHD1 gene has not been reported previously as a pathogenic variant nor as a benign variant, to our knowledge. The p.Pro3845Thr variant is reported with the allele frequency of 0.005182% and is novel (not in any individuals) in 1000 Genomes. This variant has not been reported to the ClinVar database. The amino acid Pro at position 3845 is changed to a Thr changing protein sequence and it might alter its composition and physico-chemical properties. In silico tools predict the variant to be tolerated. The residue is variable across species. For these reasons, this variant has been classified as Uncertain Significance. The above variant was not detected in the amniotic fluid sample.

NM_138694.4(PKHD1):c.11533C>A (p.Pro3845Thr)

Gene: PKHD1 (PKHD1 ciliary IPT domain containing fibrocystin/polyductin; minus strand). Cytogenetic location: 6p12.3.
Variant type: single nucleotide variant.
Coding change: c.11533C>A on transcript NM_138694.4 (MANE Select); coding-DNA position 11533, C replaced by A.
Protein change: p.Pro3845Thr; replaces proline 3845 with threonine.
Molecular consequence: missense variant.
Genome position (GRCh38, 1-based): chr6:51,632,697, G>T on the plus strand (C>A on the coding strand, the complement: PKHD1 is on the minus strand). VCF-style: chr6-51632697-G-T. GRCh37 (hg19) VCF-style: chr6-51497495-G-T.
Other names: c.11533C>A (NM_138694.3); short protein forms P3845T.
Identifiers: ClinVar variation 2585324 (VCV002585324.4), dbSNP rs548244367, ClinGen allele CA3850791.